The following is an entry in ClinVar:

NM_001242896.3(DEPDC5):c.4484del (p.Pro1495fs)

Gene: DEPDC5 (DEP domain containing 5, GATOR1 subcomplex subunit; plus strand). Cytogenetic location: 22q12.3.
Variant type: Deletion.
Coding change: c.4484del on transcript NM_001242896.3 (MANE Select); coding-DNA position 4484, one base deleted (C; older notation c.4484delC).
Protein change: p.Pro1495fs; shifts the reading frame from proline 1495.
Molecular consequence: frameshift variant. On other transcripts: non-coding transcript variant (5).
Genome position (GRCh38, 1-based): chr22:31,906,031, C deleted; the last of 3 consecutive C bases (chr22:31,906,029-31,906,031); deleting any one gives the same sequence. VCF-style (leftmost placement, unchanged base first): chr22-31906028-TC-T. GRCh37 (hg19) VCF-style: chr22-32302014-TC-T.
Other names: c.4400del, p.Pro1467fs (NM_001369902.1, NM_001369901.1); c.4391del, p.Pro1464fs (NM_001369903.1, NM_014662.6); c.4457del, p.Pro1486fs (NM_001136029.4); c.4184del, p.Pro1395fs (NM_001242897.2); c.4418del, p.Pro1473fs (NM_001363852.2, NM_001364320.2); c.4250del, p.Pro1417fs (NM_001363854.2, NM_001364319.2); c.4484del, p.Pro1495fs (NM_001364318.2); short protein forms P1395fs, P1417fs, P1464fs, P1467fs, P1473fs, P1486fs, P1495fs.
Identifiers: ClinVar variation 3776105 (VCV003776105.1).
Genomic context (GRCh38, chr22:31,906,028, plus strand): 5'-TCCTGTCCTTCCCTAGGTTTGGGTTTGTACAAGATAAATATTCTGCCTCTGCTTTTAACT[TC>T]CCTGCTGAGAACAAGCCTCAGTATATCCACGTTACAGGTGAGGAGCTACGGGCAGAGTTG-3'

ClinVar aggregate classification (germline): Likely pathogenic (1 of 4 stars; one submission).

Conditions:
Epilepsy, familial focal, with variable foci 1 (FFEVF1). Also called: DEPDC5-Related Epilepsy. Identifiers: MedGen C4551983, MONDO:0024556, OMIM 604364.

Submission:

3billion
Classification: Likely pathogenic for Epilepsy, familial focal, with variable foci 1. Last evaluated: 2023-08-08. Review status: criteria provided, single submitter. Criteria: ACMG Guidelines, 2015. Collection method: clinical testing. Allele origin: germline. Affected: yes.
Comment: The variant is not observed in the gnomAD v2.1.1 dataset. Predicted Consequence/Location: Frameshift variant Therefore, this variant is classified as Likely pathogenic according to the recommendation of ACMG/AMP guideline.

Literature cited by the submitters: PubMed 31639411; PubMed 28549235.